The following is an entry in ClinVar:

NM_001999.4(FBN2):c.6439G>A (p.Asp2147Asn)

Gene: FBN2 (fibrillin 2; minus strand). Cytogenetic location: 5q23.3.
Variant type: single nucleotide variant.
Coding change: c.6439G>A on transcript NM_001999.4 (MANE Select); coding-DNA position 6439, G replaced by A.
Protein change: p.Asp2147Asn; replaces aspartic acid 2147 with asparagine.
Molecular consequence: missense variant.
Genome position (GRCh38, 1-based): chr5:128,290,738, C>T on the plus strand (G>A on the coding strand, the complement: FBN2 is on the minus strand). VCF-style: chr5-128290738-C-T. GRCh37 (hg19) VCF-style: chr5-127626430-C-T.
Other names: short protein forms D2147N.
Identifiers: ClinVar variation 952629 (VCV000952629.18), dbSNP rs370650204, ClinGen allele CA3394421.
Genomic context (GRCh38, chr5:128,290,738, plus strand): 5'-AAACATTCAAAAACTGGTACACAAAGTGCTGTCTGATGATGTCATTGCTCTTACCTTCAT[C>T]GTCTTTGGGGCACAGCTCACAGGGGTCCCCCCAGCCCTCTCCTGGCATCTTACTACAGCA-3'
Protein context (NP_001990.2, residues 2137-2157): GDPCELCPKD[Asp2147Asn]EVAFQDLCPY

ClinVar aggregate classification (germline): Conflicting classifications of pathogenicity. Review status: criteria provided, conflicting classifications (1 of 4 stars). 3 submissions from 3 submitters: Uncertain significance (2); Likely benign (1). Last evaluated 2026-02-14.

Conditions:
Congenital contractural arachnodactyly (CCA). Also called: BEALS SYNDROME; Beals-Hecht syndrome; Arthrogryposis, distal, type 9. Identifiers: Orphanet 115, MedGen C0220668, MONDO:0007363, OMIM 121050.
Familial thoracic aortic aneurysm and aortic dissection (TAAD). Also called: Thoracic aortic aneurysms and dissections. Identifiers: Orphanet 91387, MedGen C4707243, MONDO:0019625.

Allele frequency attached by ClinVar (database versions not stated): gnomAD exomes 0.00003; ExAC 0.00005; ESP Exome Variant Server 0.00008; TOPMed 0.00014.
gnomAD v4.1: 34 of 1,613,996 alleles (0.0021%); highest among the groups gnomAD compares: African/African-American, 0.013%; no homozygotes.

Submissions (3):

Ambry Genetics
Classification: Uncertain significance for Familial thoracic aortic aneurysm and aortic dissection. Last evaluated: 2026-02-14. Review status: criteria provided, single submitter. Criteria: Ambry Variant Classification Scheme 2023. Collection method: clinical testing. Allele origin: germline.
Comment: The p.D2147N variant (also known as c.6439G>A), located in coding exon 50 of the FBN2 gene, results from a G to A substitution at nucleotide position 6439. The aspartic acid at codon 2147 is replaced by asparagine, an amino acid with highly similar properties. This amino acid position is conserved. In addition, this alteration is predicted to be tolerated by in silico analysis. Based on the available evidence, the clinical significance of this variant remains unclear.

Labcorp Genetics (formerly Invitae), Labcorp
Classification: Likely benign for Congenital contractural arachnodactyly. Last evaluated: 2026-02-02. Review status: criteria provided, single submitter. Criteria: Invitae Variant Classification Sherloc (09022015). Collection method: clinical testing. Allele origin: germline.

ARUP Laboratories, Molecular Genetics and Genomics, ARUP Laboratories
Classification: Uncertain significance. Last evaluated: 2021-10-07. Review status: criteria provided, single submitter. Criteria: ARUP Molecular Germline Variant Investigation Process 2021. Collection method: clinical testing. Allele origin: germline.
Comment: The FBN2 c.6439G>A; p.Asp2147Asn variant (rs370650204), to our knowledge, is not reported in the medical literature but is reported in ClinVar (Variation ID: 952629). This variant is found in the general population with an overall allele frequency of 0.002% (8/282746 alleles, including one homozygote) in the Genome Aggregation Database. The aspartate at codon 2147 is moderately conserved, and computational analyses are uncertain whether this variant is neutral or deleterious (REVEL: 0.393). Given the lack of clinical and functional data, the significance of the p.Asp2147Asn variant is uncertain at this time.